The following is an entry in ClinVar:

NM_000440.3(PDE6A):c.2013C>T (p.Leu671=)

Gene: PDE6A (phosphodiesterase 6A; minus strand). Cytogenetic location: 5q32.
Variant type: single nucleotide variant.
Coding change: c.2013C>T on transcript NM_000440.3 (MANE Select); coding-DNA position 2013, C replaced by T.
Protein change: p.Leu671=; no amino-acid change (leucine 671 retained).
Molecular consequence: synonymous variant.
Genome position (GRCh38, 1-based): chr5:149,884,493, G>A on the plus strand (C>T on the coding strand, the complement: PDE6A is on the minus strand). VCF-style: chr5-149884493-G-A. GRCh37 (hg19) VCF-style: chr5-149264056-G-A.
Other names: c.2013C>T (NM_000440.2).
Identifiers: ClinVar variation 1594597 (VCV001594597.11), dbSNP rs769405151, ClinGen allele CA3504443.
Genomic context (GRCh38, chr5:149,884,493, plus strand): 5'-TATAATCATTGTTGCTTTTACTATTAGAATGAGAAGATATACCAACTTGAAATACAGGGC[G>A]AGGTCTGTGGCAATGATTGCAATGTCCATCATGTGGATGGCATGCTCATGCTGTCGACGA-3'
Protein context (NP_000431.2, residues 661-681): MMDIAIIATD[Leu671=]ALYFKKRTMF

ClinVar aggregate classification (germline): Likely benign. Review status: criteria provided, multiple submitters, no conflicts (2 of 4 stars). 3 submissions from 3 submitters: Likely benign (2). 1 of the submissions does not count toward it. Last evaluated 2024-11-21.

Conditions:
PDE6A-related disorder. Also called: PDE6A-related condition.

Allele frequency attached by ClinVar (database versions not stated): TOPMed 0.00002; gnomAD 0.00003 and 0.00006; gnomAD exomes 0.00006 and 0.00010; ExAC 0.00011.
gnomAD v4.1: 98 of 1,610,954 alleles (0.0061%); highest among the groups gnomAD compares: South Asian, 0.086%; no homozygotes.

Submissions (3):

Blueprint Genetics
Classification: Likely benign. Last evaluated: 2024-11-21. Review status: criteria provided, single submitter. Criteria: ACMG Guidelines, 2015. Collection method: clinical testing. Allele origin: germline.

Labcorp Genetics (formerly Invitae), Labcorp
Classification: Likely benign. Last evaluated: 2024-04-25. Review status: criteria provided, single submitter. Criteria: Invitae Variant Classification Sherloc (09022015). Collection method: clinical testing. Allele origin: germline.

PreventionGenetics, part of Exact Sciences
Classification: Likely benign for PDE6A-related condition. Last evaluated: 2019-12-30. Review status: no assertion criteria provided. Collection method: clinical testing. Allele origin: germline. Not counted in ClinVar's aggregate classification.
Comment: This variant is classified as likely benign based on ACMG/AMP sequence variant interpretation guidelines (Richards et al. 2015 PMID: 25741868, with internal and published modifications).